The following is an entry in ClinVar:

NM_000170.3(GLDC):c.1382G>A (p.Arg461Gln)

Gene: GLDC (glycine decarboxylase; minus strand). Cytogenetic location: 9p24.1.
Variant type: single nucleotide variant.
Coding change: c.1382G>A on transcript NM_000170.3 (MANE Select); coding-DNA position 1382, G replaced by A.
Protein change: p.Arg461Gln; replaces arginine 461 with glutamine.
Molecular consequence: missense variant.
Genome position (GRCh38, 1-based): chr9:6,592,870, C>T on the plus strand (G>A on the coding strand, the complement: GLDC is on the minus strand). VCF-style: chr9-6592870-C-T. GRCh37 (hg19) VCF-style: chr9-6592870-C-T.
Other names: short protein forms R461Q.
Identifiers: ClinVar variation 56043 (VCV000056043.19), dbSNP rs386833524, ClinGen allele CA263294.

ClinVar aggregate classification (germline): Pathogenic. Review status: criteria provided, multiple submitters, no conflicts (2 of 4 stars). 7 submissions from 7 submitters: Pathogenic (4). 3 of the submissions do not count toward it. Last evaluated 2025-09-16.

Conditions:
Glycine encephalopathy 1 (GCE1). Identifiers: MedGen CN376801, MONDO:0958179, OMIM 605899.
GLDC-related disorder. Also called: GLDC-related condition.
Glycine encephalopathy. Also called: Nonketotic hyperglycinemia; Non-ketotic hyperglycinemia. Identifiers: Orphanet 407, MedGen C0751748, MONDO:0011612, HP:0008288.

Allele frequency attached by ClinVar (database versions not stated): TOPMed below 0.00001; gnomAD 0.00001; ExAC 0.00002; gnomAD exomes 0.00001.
gnomAD v4.1: 13 of 1,613,528 alleles (0.00081%); highest among the groups gnomAD compares: East Asian, 0.0045%; no homozygotes.

Submissions (7):

Labcorp Genetics (formerly Invitae), Labcorp
Classification: Pathogenic for Glycine encephalopathy. Last evaluated: 2025-09-16. Review status: criteria provided, single submitter. Criteria: Invitae Variant Classification Sherloc (09022015). Collection method: clinical testing. Allele origin: germline.
Comment: This sequence change replaces arginine, which is basic and polar, with glutamine, which is neutral and polar, at codon 461 of the GLDC protein (p.Arg461Gln). This variant is present in population databases (rs386833524, gnomAD 0.006%). This missense change has been observed in individual(s) with glycine encephalopathy (PMID: 16601880, 26179960). It has also been observed to segregate with disease in related individuals. ClinVar contains an entry for this variant (Variation ID: 56043). Invitae Evidence Modeling of protein sequence and biophysical properties (such as structural, functional, and spatial information, amino acid conservation, physicochemical variation, residue mobility, and thermodynamic stability) indicates that this missense variant is expected to disrupt GLDC protein function with a positive predictive value of 95%. Experimental studies have shown that this missense change affects GLDC function (PMID: 26179960). For these reasons, this variant has been classified as Pathogenic.

Rady Children's Institute for Genomic Medicine, Rady Children's Hospital San Diego
Classification: Pathogenic for Glycine encephalopathy 1. Last evaluated: 2025-01-03. Review status: criteria provided, single submitter. Criteria: ACMG Guidelines, 2015. Collection method: clinical testing. Allele origin: germline. Affected: yes.
Comment: This is a known Pathogenic variant that has been previously reported as a compound heterozygous or homozygous change in individuals with glycine encephalopathy (PMID: 16601880, 20691948, 27362913). The c.1382G>A (p.Arg461Gln) variant affects a highly conserved amino acid and is predicted by multiple in silico tools to have a deleterious effect on protein function. A different amino acid change at the same residue (p.Arg461Trp) has also been previously reported in individuals with glycine encephalopathy (PMID: 27362913, 26179960). Functional studies demonstrate this variant leads to reduced, though not absent, glycine cleavage enzyme system activity (PMID: 26179960). The c.1382G>A (p.Arg461Gln) variant is present in the latest version of the gnomAD population database at an allele frequency of 0.0008% (13/1613528) and thus is presumed to be rare. Based on the available evidence, c.1382G>A (p.Arg461Gln) is classified as Pathogenic.

PreventionGenetics, part of Exact Sciences
Classification: Pathogenic for GLDC-related condition. Last evaluated: 2023-02-01. Review status: criteria provided, single submitter. Criteria: ACMG Guidelines, 2015. Collection method: clinical testing. Allele origin: germline.
Comment: The GLDC c.1382G>A variant is predicted to result in the amino acid substitution p.Arg461Gln. This variant has been reported in the compound heterozygous state in multiple individuals with non-ketotic hyperglycinemia (Conter et al 2006. PubMed ID: 16601880; Suzuki Y et al 2010. PubMed ID: 20691948; Coughlin CR et al 2016. PubMed ID: 27362913; Farris et al. 2020. PubMed ID: 32421718). Functional studies have shown that this variant has the measurable residual activity of 0.5 to 1% of control (Swanson MA et al 2015. PubMed ID: 26179960). This variant is reported in 0.0065% of alleles in individuals of South Asian descent in gnomAD. This variant is interpreted as pathogenic.

Revvity Omics, Revvity
Classification: Pathogenic for Glycine encephalopathy 1. Last evaluated: 2019-07-30. Review status: criteria provided, single submitter. Criteria: ACMG Guidelines, 2015. Collection method: clinical testing. Allele origin: germline.

Natera, Inc.
Classification: Pathogenic for Non-ketotic hyperglycinemia. Last evaluated: 2021-06-11. Review status: no assertion criteria provided. Collection method: clinical testing. Allele origin: germline. Not counted in ClinVar's aggregate classification.

Counsyl
Classification: Likely pathogenic for Glycine encephalopathy 1. Last evaluated: 2018-03-28. Review status: no assertion criteria provided. Collection method: clinical testing. Allele origin: unknown. Not counted in ClinVar's aggregate classification.

Juha Muilu Group; Institute for Molecular Medicine Finland (FIMM)
Classification: Likely pathogenic for Non-ketotic hyperglycinemia. Review status: no assertion criteria provided. Collection method: not provided. Allele origin: unknown. Not counted in ClinVar's aggregate classification.
Comment: FinDis database variant: This variant was not found or characterized by our laboratory, data were collected from public sources: see reference
ClinVar note: Converted during submission from probable-pathogenic to Likely pathogenic.

Literature cited by the submitters: PubMed 16601880 (cited by 3 submitters); PubMed 26179960 (cited by 3 submitters); PubMed 20691948 (cited by Rady Children's Institute for Genomic Medicine, Rady Children's Hospital San Diego and Counsyl); PubMed 27362913 (cited by Rady Children's Institute for Genomic Medicine, Rady Children's Hospital San Diego and Counsyl).